The following is an entry in ClinVar:

NM_001042492.3(NF1):c.3424A>T (p.Arg1142Trp)

Gene: NF1 (neurofibromin 1; plus strand). Cytogenetic location: 17q11.2.
Variant type: single nucleotide variant.
Coding change: c.3424A>T on transcript NM_001042492.3 (MANE Select); coding-DNA position 3424, A replaced by T.
Protein change: p.Arg1142Trp; replaces arginine 1142 with tryptophan.
Molecular consequence: missense variant.
Genome position (GRCh38, 1-based): chr17:31,232,809, A>T. VCF-style: chr17-31232809-A-T. GRCh37 (hg19) VCF-style: chr17-29559827-A-T.
Other names: c.3424A>T, p.Arg1142Trp (NM_000267.4); short protein forms R1142W.
Identifiers: ClinVar variation 4800749 (VCV004800749.1).

ClinVar aggregate classification (germline): Uncertain significance (1 of 4 stars; one submission).

Conditions:
Neurofibromatosis, type 1 (NF1). Also called: VON RECKLINGHAUSEN DISEASE; Neurofibromatosis, type I; NEUROFIBROMATOSIS, TYPE I, SOMATIC; Peripheral type neurofibromatosis. Identifiers: Orphanet 636, MedGen C0027831, MONDO:0018975, OMIM 162200. Disease mechanism: loss of function.

Submission:

Labcorp Genetics (formerly Invitae), Labcorp
Classification: Uncertain significance for Neurofibromatosis, type 1. Last evaluated: 2025-10-02. Review status: criteria provided, single submitter. Criteria: Invitae Variant Classification Sherloc (09022015). Collection method: clinical testing. Allele origin: germline.
Comment: This sequence change replaces arginine, which is basic and polar, with tryptophan, which is neutral and slightly polar, at codon 1142 of the NF1 protein (p.Arg1142Trp). This variant is not present in population databases (gnomAD no frequency). This variant has not been reported in the literature in individuals affected with NF1-related conditions. Invitae Evidence Modeling of protein sequence and biophysical properties (such as structural, functional, and spatial information, amino acid conservation, physicochemical variation, residue mobility, and thermodynamic stability) indicates that this missense variant is expected to disrupt NF1 protein function with a positive predictive value of 95%. In summary, the available evidence is currently insufficient to determine the role of this variant in disease. Therefore, it has been classified as a Variant of Uncertain Significance.